The following is an entry in ClinVar:

NM_014679.5(CEP57):c.949C>T (p.His317Tyr)

Gene: CEP57 (centrosomal protein 57; plus strand). Cytogenetic location: 11q21.
Variant type: single nucleotide variant.
Coding change: c.949C>T on transcript NM_014679.5 (MANE Select); coding-DNA position 949, C replaced by T.
Protein change: p.His317Tyr; replaces histidine 317 with tyrosine.
Molecular consequence: missense variant.
Genome position (GRCh38, 1-based): chr11:95,827,849, C>T. VCF-style: chr11-95827849-C-T. GRCh37 (hg19) VCF-style: chr11-95561013-C-T.
Other names: c.922C>T, p.His308Tyr (NM_001243776.2); c.871C>T, p.His291Tyr (NM_001243777.2); c.868C>T, p.His290Tyr (NM_001363604.2); short protein forms H317Y, H291Y, H290Y, H308Y.
Identifiers: ClinVar variation 579418 (VCV000579418.10), dbSNP rs140320103, ClinGen allele CA6239655.

ClinVar aggregate classification (germline): Uncertain significance. Review status: criteria provided, multiple submitters, no conflicts (2 of 4 stars). 2 submissions from 2 submitters: Uncertain significance (2). Last evaluated 2025-11-28.

Conditions:
Mosaic variegated aneuploidy syndrome 2 (MVA2). Identifiers: Orphanet 1052, MedGen C3279843, MONDO:0013582, OMIM 614114.

Allele frequency attached by ClinVar (database versions not stated): ExAC 0.00015; gnomAD exomes 0.00015 and 0.00038; 1000 Genomes Project 0.00020; gnomAD 0.00024; 1000 Genomes Project 30x 0.00031; TOPMed 0.00034; ESP Exome Variant Server 0.00054.
gnomAD v4.1: 598 of 1,614,012 alleles (0.037%); highest among the groups gnomAD compares: Non-Finnish European, 0.047%; no homozygotes.

Submissions (2):

Labcorp Genetics (formerly Invitae), Labcorp
Classification: Uncertain significance for Mosaic variegated aneuploidy syndrome 2. Last evaluated: 2025-11-28. Review status: criteria provided, single submitter. Criteria: Invitae Variant Classification Sherloc (09022015). Collection method: clinical testing. Allele origin: germline.
Comment: This sequence change replaces histidine, which is basic and polar, with tyrosine, which is neutral and polar, at codon 317 of the CEP57 protein (p.His317Tyr). This variant is present in population databases (rs140320103, gnomAD 0.03%). This variant has not been reported in the literature in individuals affected with CEP57-related conditions. ClinVar contains an entry for this variant (Variation ID: 579418). Invitae Evidence Modeling of protein sequence and biophysical properties (such as structural, functional, and spatial information, amino acid conservation, physicochemical variation, residue mobility, and thermodynamic stability) indicates that this missense variant is not expected to disrupt CEP57 protein function with a negative predictive value of 80%. In summary, the available evidence is currently insufficient to determine the role of this variant in disease. Therefore, it has been classified as a Variant of Uncertain Significance.

GeneDx
Classification: Uncertain significance. Last evaluated: 2025-05-29. Review status: criteria provided, single submitter. Criteria: GeneDx Variant Classification Process June 2021. Collection method: clinical testing. Allele origin: germline. Affected: yes.
Comment: In silico analysis supports that this missense variant has a deleterious effect on protein structure/function; Has not been previously published as pathogenic or benign to our knowledge